The following is an entry in ClinVar:

ClinVar aggregate classification (germline): Likely pathogenic (1 of 4 stars; one submission).

Conditions:
Malignant hyperthermia, susceptibility to, 5 (MHS5). Also called: CACNA1S-Related Malignant Hyperthermia Susceptibility. Identifiers: Orphanet 423, MedGen C1866077, MONDO:0011163, OMIM 601887.
Hypokalemic periodic paralysis, type 1. Also called: Hypokalemic Periodic Paralysis Type 1 (AD); HypoPP. Identifiers: Orphanet 681, MedGen C3714580, MONDO:0042979, OMIM 170400.

Submission:

Labcorp Genetics (formerly Invitae), Labcorp
Classification: Likely pathogenic for Hypokalemic periodic paralysis, type 1; Malignant hyperthermia, susceptibility to, 5. Last evaluated: 2024-05-13. Review status: criteria provided, single submitter. Criteria: Invitae Variant Classification Sherloc (09022015). Collection method: clinical testing. Allele origin: germline.
Comment: This variant results in the deletion of part of exon 40 (c.5042_5048+3del) of the CACNA1S gene. It is expected to disrupt RNA splicing. Variants that disrupt the donor or acceptor splice site typically lead to a loss of protein function (PMID: 16199547), and loss-of-function variants in CACNA1S are known to be pathogenic (PMID: 26247046, 28012042). This variant is not present in population databases (gnomAD no frequency). This variant has not been reported in the literature in individuals affected with CACNA1S-related conditions. In summary, the currently available evidence indicates that the variant is pathogenic, but additional data are needed to prove that conclusively. Therefore, this variant has been classified as Likely Pathogenic.

Literature cited by the submitters: PubMed 16199547; PubMed 26247046; PubMed 28012042.

NM_000069.3(CACNA1S):c.5042_5048+3del

Gene: CACNA1S (calcium voltage-gated channel subunit alpha1 S; minus strand). Cytogenetic location: 1q32.1.
Variant type: Deletion.
Coding change: c.5042_5048+3del on transcript NM_000069.3 (MANE Select); coding-DNA position 5042 through 3 bases into the intron after coding-DNA position 5048, 10 bases deleted (TTTCCAGGTA; older notation c.5042_5048+3delTTTCCAGGTA).
Molecular consequence: splice donor variant.
Genome position (GRCh38, 1-based): chr1:201,043,278-201,043,287, TACCTGGAAA deleted on the plus strand (TTTCCAGGTA on the coding strand, the reverse complement: CACNA1S is on the minus strand). VCF-style (leftmost placement, unchanged base first): chr1-201043277-CTACCTGGAAA-C. GRCh37 (hg19) VCF-style: chr1-201012405-CTACCTGGAAA-C.
Identifiers: ClinVar variation 3748062 (VCV003748062.2).
Genomic context (GRCh38, chr1:201,043,277, plus strand): 5'-TGGAACCTGCTGACATTGTCCTCCCAGTACCTCTACACCCAGGGATGGCAGTGGCCGCCA[CTACCTGGAAA>C]ACACATGGCTGTTGCTATGGTTGCTGTTGCCATAGGCGACATTGGCGTTGGCATTGTTGG-3'